The following is an entry in ClinVar:

ClinVar aggregate classification (germline): Uncertain significance. Review status: criteria provided, single submitter (1 of 4 stars). 2 submissions from 2 submitters: Uncertain significance (1). 1 of the submissions does not count toward it. Last evaluated 2023-06-30.

Conditions:
KRAS-related disorder. Also called: KRAS-related condition; KRAS-related disorders.

Submissions (2):

Revvity Omics, Revvity
Classification: Uncertain significance. Last evaluated: 2023-06-30. Review status: criteria provided, single submitter. Criteria: ACMG Guidelines, 2015. Collection method: clinical testing. Allele origin: germline.

PreventionGenetics, part of Exact Sciences
Classification: Uncertain significance for KRAS-related condition. Last evaluated: 2024-06-01. Review status: no assertion criteria provided. Collection method: clinical testing. Allele origin: germline. Not counted in ClinVar's aggregate classification.
Comment: The KRAS c.152G>C variant is predicted to result in the amino acid substitution p.Cys51Ser. To our knowledge, this variant has not been reported in the literature or in a large population database, indicating this variant is rare. At this time, the clinical significance of this variant is uncertain due to the absence of conclusive functional and genetic evidence.

NM_004985.5(KRAS):c.152G>C (p.Cys51Ser)

Gene: KRAS (KRAS proto-oncogene, GTPase; minus strand). Cytogenetic location: 12p12.1.
Variant type: single nucleotide variant.
Coding change: c.152G>C on transcript NM_004985.5 (MANE Select); coding-DNA position 152, G replaced by C.
Protein change: p.Cys51Ser; replaces cysteine 51 with serine.
Molecular consequence: missense variant.
Genome position (GRCh38, 1-based): chr12:25,227,372, C>G on the plus strand (G>C on the coding strand, the complement: KRAS is on the minus strand). VCF-style: chr12-25227372-C-G. GRCh37 (hg19) VCF-style: chr12-25380306-C-G.
Other names: c.152G>C (NM_004985.4); c.152G>C, p.Cys51Ser (NM_001369786.1, NM_001369787.1, NM_033360.4); short protein forms C51S.
Identifiers: ClinVar variation 2689336 (VCV002689336.3), dbSNP rs2141510355, ClinGen allele CA384152309.